The following is an entry in ClinVar:

ClinVar aggregate classification (germline): Conflicting classifications of pathogenicity. Review status: criteria provided, conflicting classifications (1 of 4 stars). 7 submissions from 7 submitters: Uncertain significance (1); Benign (3); Likely benign (3). Last evaluated 2026-07-01.

Conditions:
Autosomal recessive limb-girdle muscular dystrophy type 2N. Also called: MUSCULAR DYSTROPHY-DYSTROGLYCANOPATHY, LIMB-GIRDLE, POMT2-RELATED; Muscular dystrophy-dystroglycanopathy (limb-girdle), type C, 2. Identifiers: Orphanet 206559, MedGen C3150418, MONDO:0013162, OMIM 613158.
Muscular dystrophy-dystroglycanopathy (congenital with brain and eye anomalies), type A2. Also called: MUSCULAR DYSTROPHY-DYSTROGLYCANOPATHY (CONGENITAL WITH BRAIN AND EYE ANOMALIES), TYPE A, 2; WALKER-WARBURG SYNDROME OR MUSCLE-EYE-BRAIN DISEASE, POMT2-RELATED. Identifiers: Orphanet 588, Orphanet 899, MedGen C3150411, MONDO:0013154, OMIM 613150.
Muscular dystrophy-dystroglycanopathy (congenital with impaired intellectual development), type B, 2. Also called: MUSCULAR DYSTROPHY, CONGENITAL, POMT2-RELATED; Muscular dystrophy-dystroglycanopathy (congenital with intellectual disability), type B2. Identifiers: MedGen C3150416, MONDO:0013160, OMIM 613156.

Allele frequency attached by ClinVar (database versions not stated): ESP Exome Variant Server 0.00069; TOPMed 0.00091; gnomAD 0.00148 and 0.00152; 1000 Genomes Project 30x 0.00156; 1000 Genomes Project 0.00200; ExAC 0.00204; gnomAD exomes 0.00223.
gnomAD v4.1: 2,276 of 1,614,104 alleles (0.14%); highest among the groups gnomAD compares: South Asian, 0.31%; 6 homozygotes.

Submissions (7):

CeGaT Center for Human Genetics Tuebingen
Classification: Likely benign. Last evaluated: 2026-07-01. Review status: criteria provided, single submitter. Criteria: CeGaT Center For Human Genetics Tuebingen Variant Classification Criteria Version 2. Collection method: clinical testing. Allele origin: germline. Affected: yes. Observed: 14 variant alleles.
Comment: POMT2: BP4, BP7

Labcorp Genetics (formerly Invitae), Labcorp
Classification: Benign for Muscular dystrophy-dystroglycanopathy (congenital with impaired intellectual development), type B, 2; Muscular dystrophy-dystroglycanopathy (congenital with brain and eye anomalies), type A2; Autosomal recessive limb-girdle muscular dystrophy type 2N. Last evaluated: 2026-02-02. Review status: criteria provided, single submitter. Criteria: Invitae Variant Classification Sherloc (09022015). Collection method: clinical testing. Allele origin: germline.

Blueprint Genetics
Classification: Likely benign. Last evaluated: 2024-11-26. Review status: criteria provided, single submitter. Criteria: ACMG Guidelines, 2015. Collection method: clinical testing. Allele origin: germline.

Athena Diagnostics
Classification: Benign. Last evaluated: 2024-05-03. Review status: criteria provided, single submitter. Criteria: Athena Diagnostics Criteria. Collection method: clinical testing. Allele origin: unknown.

GeneDx
Classification: Likely benign. Last evaluated: 2021-03-29. Review status: criteria provided, single submitter. Criteria: GeneDx Variant Classification Process June 2021. Collection method: clinical testing. Allele origin: germline. Affected: yes.

Illumina Laboratory Services, Illumina
Classification: Uncertain significance for Autosomal recessive limb-girdle muscular dystrophy type 2N. Last evaluated: 2018-01-12. Review status: criteria provided, single submitter. Criteria: ICSL Variant Classification Criteria 13 December 2019. Collection method: clinical testing. Allele origin: germline.

Eurofins Ntd Llc (ga)
Classification: Benign. Last evaluated: 2015-10-23. Review status: criteria provided, single submitter. Criteria: EGL Classification Definitions 2015. Collection method: clinical testing. Allele origin: germline. Observed: 3 variant alleles, 3 heterozygotes.

NM_013382.7(POMT2):c.1683T>C (p.Asn561=)

Gene: POMT2 (protein O-mannosyltransferase 2; minus strand). Cytogenetic location: 14q24.3.
Variant type: single nucleotide variant.
Coding change: c.1683T>C on transcript NM_013382.7 (MANE Select); coding-DNA position 1683, T replaced by C.
Protein change: p.Asn561=; no amino-acid change (asparagine 561 retained).
Molecular consequence: synonymous variant.
Genome position (GRCh38, 1-based): chr14:77,280,434, A>G on the plus strand (T>C on the coding strand, the complement: POMT2 is on the minus strand). VCF-style: chr14-77280434-A-G. GRCh37 (hg19) VCF-style: chr14-77746777-A-G.
Identifiers: ClinVar variation 166904 (VCV000166904.56), dbSNP rs146307965, ClinGen allele CA233769.